The following is an entry in ClinVar:

NM_139343.3(BIN1):c.85-5G>A

Gene: BIN1 (bridging integrator 1; minus strand). Cytogenetic location: 2q14.3.
Variant type: single nucleotide variant.
Coding change: c.85-5G>A on transcript NM_139343.3 (MANE Select); 5 bases into the intron before coding-DNA position 85, G replaced by A.
Molecular consequence: intron variant.
Genome position (GRCh38, 1-based): chr2:127,076,711, C>T on the plus strand (G>A on the coding strand, the complement: BIN1 is on the minus strand). VCF-style: chr2-127076711-C-T. GRCh37 (hg19) VCF-style: chr2-127834287-C-T.
Other names: c.4-5G>A (NM_001320642.1); c.13-5G>A (NM_001320634.1); c.85-5G>A (NM_139351.3, NM_139350.3, NM_139349.3 and 10 more transcripts).
Identifiers: ClinVar variation 530862 (VCV000530862.8), dbSNP rs371593265, ClinGen allele CA1857595.

ClinVar aggregate classification (germline): Uncertain significance (1 of 4 stars; one submission).

Conditions:
Myopathy, centronuclear, 2 (CNM2). Also called: MYOTUBULAR MYOPATHY, AUTOSOMAL RECESSIVE. Identifiers: Orphanet 169186, MedGen CN031787, MONDO:0009709, OMIM 255200.

Allele frequency attached by ClinVar (database versions not stated): gnomAD exomes 0.00001 and 0.00003; TOPMed 0.00001; ESP Exome Variant Server 0.00008; ExAC 0.00002.
gnomAD v4.1: 40 of 1,614,054 alleles (0.0025%); highest among the groups gnomAD compares: South Asian, 0.0033%; no homozygotes.

Submission:

Labcorp Genetics (formerly Invitae), Labcorp
Classification: Uncertain significance for Myopathy, centronuclear, 2. Last evaluated: 2023-01-30. Review status: criteria provided, single submitter. Criteria: Invitae Variant Classification Sherloc (09022015). Collection method: clinical testing. Allele origin: germline.
Comment: In summary, the available evidence is currently insufficient to determine the role of this variant in disease. Therefore, it has been classified as a Variant of Uncertain Significance. This sequence change falls in intron 1 of the BIN1 gene. It does not directly change the encoded amino acid sequence of the BIN1 protein. This variant is present in population databases (rs371593265, gnomAD 0.002%). This variant has not been reported in the literature in individuals affected with BIN1-related conditions. ClinVar contains an entry for this variant (Variation ID: 530862). Algorithms developed to predict the effect of sequence changes on RNA splicing suggest that this variant may create or strengthen a splice site.